The following is an entry in ClinVar:

ClinVar aggregate classification (germline): Conflicting classifications of pathogenicity. Review status: criteria provided, conflicting classifications (1 of 4 stars). 3 submissions from 3 submitters: Pathogenic (1); Uncertain significance (1). 1 of the submissions does not count toward it. Last evaluated 2025-11-11.

Conditions:
Zellweger spectrum disorders (ZS). Also called: Zellweger Spectrum Disorder (ZSD); Zellweger Spectrum Disorder; Zellweger Spectrum; Zellweger syndrome. Identifiers: Orphanet 912, MedGen C0043459, MONDO:0019609.
Peroxisome biogenesis disorder. Identifiers: Orphanet 79189, MedGen C1832200, MONDO:0019234. Disease mechanism: loss of function.

Allele frequency attached by ClinVar (database versions not stated): ExAC 0.00001; gnomAD 0.00001; gnomAD exomes 0.00001; TOPMed 0.00001.
gnomAD v4.1: 16 of 1,613,394 alleles (0.00099%); highest among the groups gnomAD compares: Non-Finnish European, 0.0014%; no homozygotes.

Submissions (3):

Labcorp Genetics (formerly Invitae), Labcorp
Classification: Pathogenic for Peroxisome biogenesis disorder. Last evaluated: 2025-11-11. Review status: criteria provided, single submitter. Criteria: Invitae Variant Classification Sherloc (09022015). Collection method: clinical testing. Allele origin: germline.
Comment: This sequence change replaces glycine, which is neutral and non-polar, with valine, which is neutral and non-polar, at codon 862 of the PEX6 protein (p.Gly862Val). This variant is present in population databases (rs764227040, gnomAD 0.002%). This missense change has been observed in individual(s) with inherited retinal dystrophy (PMID: 34662339). In at least one individual the data is consistent with being in trans (on the opposite chromosome) from a pathogenic variant. It has also been observed to segregate with disease in related individuals. ClinVar contains an entry for this variant (Variation ID: 1019386). Invitae Evidence Modeling of protein sequence and biophysical properties (such as structural, functional, and spatial information, amino acid conservation, physicochemical variation, residue mobility, and thermodynamic stability) indicates that this missense variant is expected to disrupt PEX6 protein function with a positive predictive value of 95%. For these reasons, this variant has been classified as Pathogenic.

Blueprint Genetics
Classification: Uncertain significance. Last evaluated: 2021-09-23. Review status: criteria provided, single submitter. Criteria: ACMG Guidelines, 2015. Collection method: clinical testing. Allele origin: germline.

Natera, Inc.
Classification: Uncertain significance for Zellweger syndrome. Last evaluated: 2021-02-16. Review status: no assertion criteria provided. Collection method: clinical testing. Allele origin: germline. Not counted in ClinVar's aggregate classification.

Literature cited by the submitters: PubMed 34662339 (cited by Labcorp Genetics (formerly Invitae), Labcorp).

NM_000287.4(PEX6):c.2585G>T (p.Gly862Val)

Gene: PEX6 (peroxisomal biogenesis factor 6; minus strand). Cytogenetic location: 6p21.1.
Variant type: single nucleotide variant.
Coding change: c.2585G>T on transcript NM_000287.4 (MANE Select); coding-DNA position 2585, G replaced by T.
Protein change: p.Gly862Val; replaces glycine 862 with valine.
Molecular consequence: missense variant. On other transcripts: non-coding transcript variant (1).
Genome position (GRCh38, 1-based): chr6:42,965,255, C>A on the plus strand (G>T on the coding strand, the complement: PEX6 is on the minus strand). VCF-style: chr6-42965255-C-A. GRCh37 (hg19) VCF-style: chr6-42932993-C-A.
Other names: c.2321G>T, p.Gly774Val (NM_001316313.2); short protein forms G774V, G862V.
Identifiers: ClinVar variation 1019386 (VCV001019386.7), dbSNP rs764227040, ClinGen allele CA3810987.